The following is an entry in ClinVar:

NM_001711.6(BGN):c.368A>G (p.Asn123Ser)

Gene: BGN (biglycan; plus strand). Cytogenetic location: Xq28.
Variant type: single nucleotide variant.
Coding change: c.368A>G on transcript NM_001711.6 (MANE Select); coding-DNA position 368, A replaced by G.
Protein change: p.Asn123Ser; replaces asparagine 123 with serine.
Molecular consequence: missense variant.
Genome position (GRCh38, 1-based): chrX:153,505,879, A>G. VCF-style: chrX-153505879-A-G. GRCh37 (hg19) VCF-style: chrX-152771337-A-G.
Other names: short protein forms N123S.
Identifiers: ClinVar variation 3221768 (VCV003221768.1), dbSNP rs2521212943, ClinGen allele CA415069256.

ClinVar aggregate classification (germline): Uncertain significance (1 of 4 stars; one submission).

Conditions:
Cardiovascular phenotype. Identifiers: MedGen CN230736.

Allele frequency attached by ClinVar (database versions not stated): gnomAD exomes below 0.00001.
gnomAD v4.1: 1 of 1,211,319 alleles (0.000083%); highest among the groups gnomAD compares: Non-Finnish European, 0.00011%; no homozygotes.

Submission:

Ambry Genetics
Classification: Uncertain significance for Cardiovascular phenotype. Last evaluated: 2024-02-01. Review status: criteria provided, single submitter. Criteria: Ambry Variant Classification Scheme 2023. Collection method: clinical testing. Allele origin: germline.
Comment: The p.N123S variant (also known as c.368A>G), located in coding exon 3 of the BGN gene, results from an A to G substitution at nucleotide position 368. The asparagine at codon 123 is replaced by serine, an amino acid with highly similar properties. This amino acid position is conserved. In addition, this alteration is predicted to be tolerated by in silico analysis. Based on the available evidence, the clinical significance of this alteration remains unclear.